The following is an entry in ClinVar:

ClinVar aggregate classification (germline): Likely benign (1 of 4 stars; one submission).

Conditions:
CDON-related disorder. Also called: CDON-related condition.

gnomAD v4.1: 7 of 1,613,996 alleles (0.00043%); highest among the groups gnomAD compares: African/African-American, 0.0013%; no homozygotes.

Submission:

PreventionGenetics, part of Exact Sciences
Classification: Likely benign for CDON-related condition. Last evaluated: 2024-12-20. Review status: criteria provided, single submitter. Criteria: ACMG Guidelines, 2015. Collection method: clinical testing. Allele origin: germline.
Comment: This variant is classified as likely benign based on ACMG/AMP sequence variant interpretation guidelines (Richards et al. 2015 PMID: 25741868, with internal and published modifications).

NM_001378964.1(CDON):c.1674C>T (p.Val558=)

Gene: CDON (cell adhesion associated, oncogene regulated; minus strand). Cytogenetic location: 11q24.2.
Variant type: single nucleotide variant.
Coding change: c.1674C>T on transcript NM_001378964.1 (MANE Select); coding-DNA position 1674, C replaced by T.
Protein change: p.Val558=; no amino-acid change (valine 558 retained).
Molecular consequence: synonymous variant.
Genome position (GRCh38, 1-based): chr11:126,005,936, G>A on the plus strand (C>T on the coding strand, the complement: CDON is on the minus strand). VCF-style: chr11-126005936-G-A. GRCh37 (hg19) VCF-style: chr11-125875831-G-A.
Other names: c.1674C>T, p.Val558= (NM_001243597.3, NM_001441161.1, NM_001441162.1 and 5 more transcripts).
Identifiers: ClinVar variation 4981749 (VCV004981749.1).